The following is an entry in ClinVar:

NM_032221.5(CHD6):c.3858C>T (p.Leu1286=)

Gene: CHD6 (chromodomain helicase DNA binding protein 6; minus strand). Cytogenetic location: 20q12.
Variant type: single nucleotide variant.
Coding change: c.3858C>T on transcript NM_032221.5 (MANE Select); coding-DNA position 3858, C replaced by T.
Protein change: p.Leu1286=; no amino-acid change (leucine 1286 retained).
Molecular consequence: synonymous variant.
Genome position (GRCh38, 1-based): chr20:41,445,684, G>A on the plus strand (C>T on the coding strand, the complement: CHD6 is on the minus strand). VCF-style: chr20-41445684-G-A. GRCh37 (hg19) VCF-style: chr20-40074324-G-A.
Identifiers: ClinVar variation 2652334 (VCV002652334.24), dbSNP rs757133401, ClinGen allele CA9862614.

ClinVar aggregate classification (germline): Likely benign (1 of 4 stars; one submission).

Allele frequency attached by ClinVar (database versions not stated): gnomAD exomes 0.00001; ExAC 0.00004.
gnomAD v4.1: 20 of 1,612,324 alleles (0.0012%); highest among the groups gnomAD compares: South Asian, 0.02%; no homozygotes.

Submission:

CeGaT Center for Human Genetics Tuebingen
Classification: Likely benign. Last evaluated: 2022-10-01. Review status: criteria provided, single submitter. Criteria: CeGaT Center For Human Genetics Tuebingen Variant Classification Criteria Version 2. Collection method: clinical testing. Allele origin: germline. Affected: yes. Observed: 1 variant allele.
Comment: CHD6: BP4, BP7